The following is an entry in ClinVar:

ClinVar aggregate classification (germline): Likely benign (0 of 4 stars; one submission).

Conditions:
DYNC1H1-related disorder. Also called: DYNC1H1-related condition; DYNC1H1-related disorders. Identifiers: MedGen CN381529.

Submission:

PreventionGenetics, part of Exact Sciences
Classification: Likely benign for DYNC1H1-related condition. Last evaluated: 2024-09-09. Review status: no assertion criteria provided. Collection method: clinical testing. Allele origin: germline.
Comment: This variant is classified as likely benign based on ACMG/AMP sequence variant interpretation guidelines (Richards et al. 2015 PMID: 25741868, with internal and published modifications).

NM_001376.5(DYNC1H1):c.4075-4A>G

Gene: DYNC1H1 (dynein cytoplasmic 1 heavy chain 1; plus strand). Cytogenetic location: 14q32.31.
Variant type: single nucleotide variant.
Coding change: c.4075-4A>G on transcript NM_001376.5 (MANE Select); 4 bases into the intron before coding-DNA position 4075, A replaced by G.
Molecular consequence: intron variant.
Genome position (GRCh38, 1-based): chr14:102,000,950, A>G. VCF-style: chr14-102000950-A-G. GRCh37 (hg19) VCF-style: chr14-102467287-A-G.
Identifiers: ClinVar variation 3347094 (VCV003347094.1).
Genomic context (GRCh38, chr14:102,000,950, plus strand): 5'-GAAATATTTCACCATTTAAAGAAATGTTGGCAAGCTAAATAGCATCTTATGTTTCTCTCG[A>G]CAGCTTCGACAAAATTTGGATGCCCTCCTGAACCAGCTGAAAAGCTTCCCTGCCCGGTTG-3'